The following is an entry in ClinVar:

NM_001348946.2(ABCB1):c.702+9A>T

Gene: ABCB1 (ATP binding cassette subfamily B member 1; minus strand). Cytogenetic location: 7q21.12.
Variant type: single nucleotide variant.
Coding change: c.702+9A>T on transcript NM_001348946.2 (MANE Select); 9 bases into the intron after coding-DNA position 702, A replaced by T.
Molecular consequence: intron variant.
Genome position (GRCh38, 1-based): chr7:87,566,061, T>A on the plus strand (A>T on the coding strand, the complement: ABCB1 is on the minus strand). VCF-style: chr7-87566061-T-A. GRCh37 (hg19) VCF-style: chr7-87195377-T-A.
Other names: c.702+9A>T (NM_001348944.2, NM_000927.5); c.912+9A>T (NM_001348945.2).
Identifiers: ClinVar variation 3048808 (VCV003048808.2), dbSNP rs2546975818, ClinGen allele CA2578930292.

ClinVar aggregate classification (germline): Likely benign (0 of 4 stars; one submission).

Conditions:
ABCB1-related disorder. Also called: ABCB1-related condition.

Allele frequency attached by ClinVar (database versions not stated): gnomAD exomes 0.00001.
gnomAD v4.1: 9 of 1,614,106 alleles (0.00056%); highest among the groups gnomAD compares: Non-Finnish European, 0.00076%; no homozygotes.

Submission:

PreventionGenetics, part of Exact Sciences
Classification: Likely benign for ABCB1-related condition. Last evaluated: 2019-11-19. Review status: no assertion criteria provided. Collection method: clinical testing. Allele origin: germline.
Comment: This variant is classified as likely benign based on ACMG/AMP sequence variant interpretation guidelines (Richards et al. 2015 PMID: 25741868, with internal and published modifications).